The following is an entry in ClinVar:

ClinVar aggregate classification (germline): Likely benign (0 of 4 stars; one submission).

Conditions:
JAM3-related disorder. Also called: JAM3-related condition.

Allele frequency attached by ClinVar (database versions not stated): TOPMed 0.00006; gnomAD 0.00007; ExAC 0.00012; gnomAD exomes 0.00012; ESP Exome Variant Server 0.00015; 1000 Genomes Project 0.00040; 1000 Genomes Project 30x 0.00047.
gnomAD v4.1: 197 of 1,613,988 alleles (0.012%); highest among the groups gnomAD compares: Non-Finnish European, 0.015%; no homozygotes.

Submission:

PreventionGenetics, part of Exact Sciences
Classification: Likely benign for JAM3-related condition. Last evaluated: 2019-04-01. Review status: no assertion criteria provided. Collection method: clinical testing. Allele origin: germline.
Comment: This variant is classified as likely benign based on ACMG/AMP sequence variant interpretation guidelines (Richards et al. 2015 PMID: 25741868, with internal and published modifications).

NM_032801.5(JAM3):c.*5C>T

Gene: JAM3 (junctional adhesion molecule 3; plus strand). Cytogenetic location: 11q25.
Variant type: single nucleotide variant.
Coding change: c.*5C>T on transcript NM_032801.5 (MANE Select); 5 bases downstream of the stop codon, C replaced by T.
Molecular consequence: 3 prime UTR variant.
Genome position (GRCh38, 1-based): chr11:134,149,186, C>T. VCF-style: chr11-134149186-C-T. GRCh37 (hg19) VCF-style: chr11-134019081-C-T.
Other names: c.*5C>T (NM_001205329.2).
Identifiers: ClinVar variation 3051388 (VCV003051388.2), dbSNP rs369997100, ClinGen allele CA6370298.